The following is an entry in ClinVar:

ClinVar aggregate classification (germline): Benign. Review status: criteria provided, multiple submitters, no conflicts (2 of 4 stars). 7 submissions from 7 submitters: Benign (7). Last evaluated 2026-02-01.

Conditions:
Megalencephalic leukoencephalopathy with subcortical cysts. Also called: VAN DER KNAAP DISEASE. Identifiers: Orphanet 2478, MedGen C1858854, MONDO:0011391.

Allele frequency attached by ClinVar (database versions not stated): 1000 Genomes Project 30x 0.01718; 1000 Genomes Project 0.01797; TOPMed 0.02602; gnomAD 0.02736 and 0.02797; ESP Exome Variant Server 0.02985; gnomAD exomes 0.03020 and 0.04085; ExAC 0.03055.
gnomAD v4.1: 63,977 of 1,614,042 alleles (4%); highest among the groups gnomAD compares: South Asian, 5.2%; 1,480 homozygotes.

Submissions (7):

Labcorp Genetics (formerly Invitae), Labcorp
Classification: Benign. Last evaluated: 2026-02-01. Review status: criteria provided, single submitter. Criteria: Invitae Variant Classification Sherloc (09022015). Collection method: clinical testing. Allele origin: germline.

Blueprint Genetics
Classification: Benign. Last evaluated: 2024-11-27. Review status: criteria provided, single submitter. Criteria: ACMG Guidelines, 2015. Collection method: clinical testing. Allele origin: germline.

Mayo Clinic Laboratories, Mayo Clinic
Classification: Benign. Last evaluated: 2022-03-23. Review status: criteria provided, single submitter. Criteria: ACMG Guidelines, 2015. Collection method: clinical testing. Allele origin: germline. Observed: 38 variant alleles.

GeneDx
Classification: Benign. Last evaluated: 2018-08-03. Review status: criteria provided, single submitter. Criteria: GeneDx Variant Classification Process June 2021. Collection method: clinical testing. Allele origin: germline. Affected: yes.

Illumina Laboratory Services, Illumina
Classification: Benign for Megalencephalic leukoencephalopathy with subcortical cysts. Last evaluated: 2018-01-12. Review status: criteria provided, single submitter. Criteria: ICSL Variant Classification Criteria 13 December 2019. Collection method: clinical testing. Allele origin: germline.
Comment: This variant was observed in the ICSL laboratory as part of a predisposition screen in an ostensibly healthy population. It had not been previously curated by ICSL or reported in the Human Gene Mutation Database (HGMD: prior to June 1st, 2018), and was therefore a candidate for classification through an automated scoring system. Utilizing variant allele frequency, disease prevalence and penetrance estimates, and inheritance mode, an automated score was calculated to assess if this variant is too frequent to cause the disease. Based on the score and internal cut-off values, a variant classified as benign is not then subjected to further curation. The score for this variant resulted in a classification of benign for this disease.

Breakthrough Genomics
Classification: Benign. Review status: criteria provided, single submitter. Criteria: ACMG Guidelines, 2015. Collection method: not provided. Allele origin: germline. Inheritance: Autosomal recessive inheritance. Affected: yes.

PreventionGenetics, part of Exact Sciences
Classification: Benign. Review status: criteria provided, single submitter. Criteria: ACMG Guidelines, 2015. Collection method: clinical testing. Allele origin: germline.

NM_152722.5(HEPACAM):c.363G>A (p.Glu121=)

Gene: HEPACAM (hepatic and glial cell adhesion molecule; minus strand). Cytogenetic location: 11q24.2.
Variant type: single nucleotide variant.
Coding change: c.363G>A on transcript NM_152722.5 (MANE Select); coding-DNA position 363, G replaced by A.
Protein change: p.Glu121=; no amino-acid change (glutamic acid 121 retained).
Molecular consequence: synonymous variant.
Genome position (GRCh38, 1-based): chr11:124,924,792, C>T on the plus strand (G>A on the coding strand, the complement: HEPACAM is on the minus strand). VCF-style: chr11-124924792-C-T. GRCh37 (hg19) VCF-style: chr11-124794688-C-T.
Other names: p.Glu121=.
Identifiers: ClinVar variation 262678 (VCV000262678.20), dbSNP rs112686308, ClinGen allele CA6345763.